The following is an entry in ClinVar:

ClinVar aggregate classification (germline): Uncertain significance (1 of 4 stars; one submission).

Submission:

GeneDx
Classification: Uncertain significance. Last evaluated: 2015-07-16. Review status: criteria provided, single submitter. Criteria: GeneDx Variant Classification (06012015). Collection method: clinical testing. Allele origin: germline. Affected: yes.
Comment: This variant is denoted PALB2 c.295A>C at the cDNA level, p.Thr99Pro (T99P) at the protein level, and results in the change of a Threonine to a Proline (ACA>CCA). This variant has not, to our knowledge, been published in the literature as pathogenic or benign. PALB2 Thr99Pro was not observed in approximately 6,500 individuals of European and African American ancestry in the NHLBI Exome Sequencing Project, indicating it is not a common benign variant in these populations. Since Threonine and Proline differ in polarity, charge, size or other properties, this is considered a non-conservative amino acid substitution. PALB2 Thr99Pro occurs at a position that is not conserved and is located in the DNA-binding region and region of interaction with BRCA1 and RAD51 (Uniprot). In silico analyses are inconsistent regarding the effect this variant may have on protein structure and function. Based on currently available information, it is unclear whether PALB2 Thr99Pro is pathogenic or benign. We consider it to be a variant of uncertain significance.

NM_024675.4(PALB2):c.295A>C (p.Thr99Pro)

Gene: PALB2 (partner and localizer of BRCA2; minus strand). Cytogenetic location: 16p12.2.
Variant type: single nucleotide variant.
Coding change: c.295A>C on transcript NM_024675.4 (MANE Select); coding-DNA position 295, A replaced by C.
Protein change: p.Thr99Pro; replaces threonine 99 with proline.
Molecular consequence: missense variant.
Genome position (GRCh38, 1-based): chr16:23,636,251, T>G on the plus strand (A>C on the coding strand, the complement: PALB2 is on the minus strand). VCF-style: chr16-23636251-T-G. GRCh37 (hg19) VCF-style: chr16-23647572-T-G.
Other names: short protein forms T99P.
Identifiers: ClinVar variation 419481 (VCV000419481.2), dbSNP rs1064793902, ClinGen allele CA16620160.
Genomic context (GRCh38, chr16:23,636,251, plus strand): 5'-GTATAGGTAATCCTCCTGGGCCATCTCCAGGGTTAAAGGACTCAGGCCCAACATCAAGTG[T>G]GATAGATGTCTTTTCTCCAGTTTCTTCATCAAGATGGGTTTTGATGTGTAACTTGTCATA-3'
Protein context (NP_078951.2, residues 89-109): DEETGEKTSI[Thr99Pro]LDVGPESFNP